The following is an entry in ClinVar:

NM_173812.5(DPY19L2):c.1286A>C (p.Gln429Pro)

Gene: DPY19L2 (dpy-19 like 2; minus strand). Cytogenetic location: 12q14.2.
Variant type: single nucleotide variant.
Coding change: c.1286A>C on transcript NM_173812.5 (MANE Select); coding-DNA position 1286, A replaced by C.
Protein change: p.Gln429Pro; replaces glutamine 429 with proline.
Molecular consequence: missense variant.
Genome position (GRCh38, 1-based): chr12:63,600,379, T>G on the plus strand (A>C on the coding strand, the complement: DPY19L2 is on the minus strand). VCF-style: chr12-63600379-T-G. GRCh37 (hg19) VCF-style: chr12-63994159-T-G.
Other names: short protein forms Q429P.
Identifiers: ClinVar variation 3898369 (VCV003898369.7).

ClinVar aggregate classification (germline): Uncertain significance (1 of 4 stars; one submission).

gnomAD v4.1: 42 of 1,586,630 alleles (0.0026%); highest among the groups gnomAD compares: Non-Finnish European, 0.0035%; no homozygotes.

Submission:

CeGaT Center for Human Genetics Tuebingen
Classification: Uncertain significance. Last evaluated: 2025-04-01. Review status: criteria provided, single submitter. Criteria: CeGaT Center For Human Genetics Tuebingen Variant Classification Criteria Version 2. Collection method: clinical testing. Allele origin: germline. Affected: yes. Observed: 1 variant allele.
Comment: DPY19L2: PM2, BP4